The following is an entry in ClinVar:

ClinVar aggregate classification (germline): Uncertain significance (1 of 4 stars; one submission).

Conditions:
Loeys-Dietz syndrome 2 (LDS2). Also called: Marfan Syndrome type 2; Marfan like connective tissue disorder; MFS 2; TGFBR2-Related Loeys-Dietz Syndrome; AORTIC ANEURYSM, FAMILIAL THORACIC 3; MARFAN SYNDROME, TYPE II. Identifiers: Orphanet 284973, Orphanet 558, MedGen C2674574, MONDO:0012427, OMIM 610168.

Submission:

Labcorp Genetics (formerly Invitae), Labcorp
Classification: Uncertain significance for Loeys-Dietz syndrome 2. Last evaluated: 2022-02-09. Review status: criteria provided, single submitter. Criteria: Invitae Variant Classification Sherloc (09022015). Collection method: clinical testing. Allele origin: germline.
Comment: In summary, the available evidence is currently insufficient to determine the role of this variant in disease. Therefore, it has been classified as a Variant of Uncertain Significance. Algorithms developed to predict the effect of missense changes on protein structure and function (SIFT, PolyPhen-2, Align-GVGD) all suggest that this variant is likely to be tolerated. This variant has not been reported in the literature in individuals affected with TMPO-related conditions. This variant is not present in population databases (gnomAD no frequency). This sequence change replaces alanine, which is neutral and non-polar, with serine, which is neutral and polar, at codon 547 of the TMPO protein (p.Ala547Ser).

NM_001032283.3(TMPO):c.565+2058G>T

Gene: TMPO (thymopoietin; plus strand). Cytogenetic location: 12q23.1.
Variant type: single nucleotide variant.
Coding change: c.565+2058G>T on transcript NM_001032283.3 (MANE Select); 2058 bases into the intron after coding-DNA position 565, G replaced by T.
Molecular consequence: intron variant. On other transcripts: missense variant (1).
Genome position (GRCh38, 1-based): chr12:98,533,896, G>T. VCF-style: chr12-98533896-G-T. GRCh37 (hg19) VCF-style: chr12-98927674-G-T.
Other names: c.1639G>T, p.Ala547Ser (NM_003276.2); c.565+2058G>T (NM_001307975.2, NM_001032284.3); short protein forms A547S.
Identifiers: ClinVar variation 1968967 (VCV001968967.5), dbSNP rs2548504553, ClinGen allele CA386153628.
Genomic context (GRCh38, chr12:98,533,896, plus strand): 5'-GCAACACAGATATTATCAGTTCCAAAAGTAGATGATGAAATCCTAGGGTTTATTTCTGAA[G>T]CCACTCCACTAGGAGGTATTCAAGCAGCCTCCACTGAGTCTTGCAATCAGCAGTTGGACT-3'